The following is an entry in ClinVar:

NM_017654.4(SAMD9):c.3868G>A (p.Ala1290Thr)

Gene: SAMD9 (sterile alpha motif domain containing 9; minus strand). Cytogenetic location: 7q21.2.
Variant type: single nucleotide variant.
Coding change: c.3868G>A on transcript NM_017654.4 (MANE Select); coding-DNA position 3868, G replaced by A.
Protein change: p.Ala1290Thr; replaces alanine 1290 with threonine.
Molecular consequence: missense variant.
Genome position (GRCh38, 1-based): chr7:93,102,230, C>T on the plus strand (G>A on the coding strand, the complement: SAMD9 is on the minus strand). VCF-style: chr7-93102230-C-T. GRCh37 (hg19) VCF-style: chr7-92731543-C-T.
Other names: c.3868G>A, p.Ala1290Thr (NM_001193307.2); short protein forms A1290T.
Identifiers: ClinVar variation 3791903 (VCV003791903.1).

ClinVar aggregate classification (germline): Uncertain significance (1 of 4 stars; one submission).

Conditions:
Inborn genetic diseases. Identifiers: MedGen C0950123, MeSH D030342.

Submission:

Ambry Genetics
Classification: Uncertain significance for Inborn genetic diseases. Last evaluated: 2024-12-14. Review status: criteria provided, single submitter. Criteria: Ambry Variant Classification Scheme 2023. Collection method: clinical testing. Allele origin: germline.
Comment: The p.A1290T variant (also known as c.3868G>A), located in coding exon 1 of the SAMD9 gene, results from a G to A substitution at nucleotide position 3868. The alanine at codon 1290 is replaced by threonine, an amino acid with similar properties. This amino acid position is conserved. In addition, this alteration is predicted to be tolerated by in silico analysis. Based on the available evidence, the clinical significance of this variant remains unclear.